The following is an entry in ClinVar:

NM_001372.4(DNAH9):c.209C>T (p.Pro70Leu)

Gene: DNAH9 (dynein axonemal heavy chain 9; plus strand). Cytogenetic location: 17p12.
Variant type: single nucleotide variant.
Coding change: c.209C>T on transcript NM_001372.4 (MANE Select); coding-DNA position 209, C replaced by T.
Protein change: p.Pro70Leu; replaces proline 70 with leucine.
Molecular consequence: missense variant.
Genome position (GRCh38, 1-based): chr17:11,598,707, C>T. VCF-style: chr17-11598707-C-T. GRCh37 (hg19) VCF-style: chr17-11502024-C-T.
Other names: short protein forms P70L.
Identifiers: ClinVar variation 3358598 (VCV003358598.1).

ClinVar aggregate classification (germline): Uncertain significance (0 of 4 stars; one submission).

Conditions:
DNAH9-related disorder. Also called: DNAH9-related condition.

gnomAD v4.1: 1 of 1,373,162 alleles (0.000073%); no homozygotes.

Submission:

PreventionGenetics, part of Exact Sciences
Classification: Uncertain significance for DNAH9-related condition. Last evaluated: 2024-06-10. Review status: no assertion criteria provided. Collection method: clinical testing. Allele origin: germline.
Comment: The DNAH9 c.209C>T variant is predicted to result in the amino acid substitution p.Pro70Leu. To our knowledge, this variant has not been reported in the literature or in a large population database, indicating this variant is rare. At this time, the clinical significance of this variant is uncertain due to the absence of conclusive functional and genetic evidence.